The following is an entry in ClinVar:

ClinVar aggregate classification (germline): Uncertain significance (1 of 4 stars; one submission).

Conditions:
Hoyeraal-Hreidarsson syndrome (HHS). Also called: CEREBELLAR HYPOPLASIA WITH PANCYTOPENIA. Identifiers: Orphanet 3322, MedGen C1846142, MONDO:0018045.
Autosomal recessive dyskeratosis congenita. Identifiers: MedGen C3502105.

Submission:

Labcorp Genetics (formerly Invitae), Labcorp
Classification: Uncertain significance for Hoyeraal-Hreidarsson syndrome; Autosomal recessive dyskeratosis congenita. Last evaluated: 2022-02-03. Review status: criteria provided, single submitter. Criteria: Invitae Variant Classification Sherloc (09022015). Collection method: clinical testing. Allele origin: germline.
Comment: In summary, the available evidence is currently insufficient to determine the role of this variant in disease. Therefore, it has been classified as a Variant of Uncertain Significance. Experimental studies and prediction algorithms are not available or were not evaluated, and the functional significance of this variant is currently unknown. ClinVar contains an entry for this variant (Variation ID: 533708). This variant has not been reported in the literature in individuals affected with DCLRE1B-related conditions. This variant is present in population databases (rs763030449, gnomAD 0.03%). This variant, c.84_86del, results in the deletion of 1 amino acid(s) of the DCLRE1B protein (p.Phe28del), but otherwise preserves the integrity of the reading frame.

NM_022836.4(DCLRE1B):c.78CTT[2] (p.Phe28del)

Gene: DCLRE1B (DNA cross-link repair 1B; plus strand). Cytogenetic location: 1p13.2.
Variant type: Microsatellite.
Coding change: c.78CTT[2] on transcript NM_022836.4 (MANE Select); two copies in a row of the 3-base unit CTT starting at c.78; the reference has three copies in a row; one copy, 3 bases deleted.
Protein change: p.Phe28del; deletes phenylalanine 28.
Molecular consequence: inframe deletion. On other transcripts: 5 prime UTR variant (3).
Genome position (GRCh38, 1-based): chr1:113,905,670-113,905,672, CTT deleted; deleting any 3 consecutive bases within chr1:113,905,663-113,905,672 gives the same sequence; the position shown is the placement nearest the transcript's 3' end. VCF-style (leftmost placement, unchanged base first): chr1-113905662-CTCT-C. GRCh37 (hg19) VCF-style: chr1-114448284-CTCT-C.
Other names: c.-135CTT[2] (NM_001319946.2, NM_001319947.2, NM_001363691.2); c.78CTT[2], p.Phe28del (NM_001363690.2); short protein forms F28del.
Identifiers: ClinVar variation 533708 (VCV000533708.10), dbSNP rs763030449, ClinGen allele CA1016263.
Genomic context (GRCh38, chr1:113,905,662, plus strand): 5'-ATCCCCCATACGCCCATCGCAGTGGACTTCTGGAGCCTGCGCCGGGCTGGCACCGCACGT[CTCT>C]TCTTCTTGTCTCACATGCACTCGGACCACACCGTGGGCCTGTCTAGCACCTGGGCCCGGC-3'